The following is an entry in ClinVar:

NM_002968.3(SALL1):c.1417G>A (p.Gly473Arg)

Gene: SALL1 (spalt like transcription factor 1; minus strand). Cytogenetic location: 16q12.1.
Variant type: single nucleotide variant.
Coding change: c.1417G>A on transcript NM_002968.3 (MANE Select); coding-DNA position 1417, G replaced by A.
Protein change: p.Gly473Arg; replaces glycine 473 with arginine.
Molecular consequence: missense variant.
Genome position (GRCh38, 1-based): chr16:51,140,805, C>T on the plus strand (G>A on the coding strand, the complement: SALL1 is on the minus strand). VCF-style: chr16-51140805-C-T. GRCh37 (hg19) VCF-style: chr16-51174716-C-T.
Other names: c.1126G>A, p.Gly376Arg (NM_001127892.2); short protein forms G376R, G473R.
Identifiers: ClinVar variation 4685225 (VCV004685225.1).

ClinVar aggregate classification (germline): Uncertain significance (1 of 4 stars; one submission).

gnomAD v4.1: 4 of 1,614,180 alleles (0.00025%); highest among the groups gnomAD compares: African/African-American, 0.0013%; no homozygotes.

Submission:

GeneDx
Classification: Uncertain significance. Last evaluated: 2025-07-10. Review status: criteria provided, single submitter. Criteria: GeneDx Variant Classification Process June 2021. Collection method: clinical testing. Allele origin: germline. Affected: yes.
Comment: In silico analysis supports that this missense variant has a deleterious effect on protein structure/function; Has not been previously published as pathogenic or benign to our knowledge